The following is an entry in ClinVar:

ClinVar aggregate classification (germline): Uncertain significance. Review status: criteria provided, multiple submitters, no conflicts (2 of 4 stars). 2 submissions from 2 submitters: Uncertain significance (2). Last evaluated 2025-03-05.

Allele frequency attached by ClinVar (database versions not stated): TOPMed 0.00001; gnomAD exomes 0.00002; ExAC 0.00002; gnomAD 0.00002.
gnomAD v4.1: 31 of 1,614,060 alleles (0.0019%); highest among the groups gnomAD compares: Non-Finnish European, 0.0026%; no homozygotes.

Submissions (2):

Labcorp Genetics (formerly Invitae), Labcorp
Classification: Uncertain significance. Last evaluated: 2025-03-05. Review status: criteria provided, single submitter. Criteria: Invitae Variant Classification Sherloc (09022015). Collection method: clinical testing. Allele origin: germline.
Comment: This sequence change replaces serine, which is neutral and polar, with isoleucine, which is neutral and non-polar, at codon 355 of the IRF9 protein (p.Ser355Ile). The frequency data for this variant in the population databases is considered unreliable, as metrics indicate poor data quality at this position in the gnomAD database. This variant has not been reported in the literature in individuals affected with IRF9-related conditions. ClinVar contains an entry for this variant (Variation ID: 2390836). An algorithm developed to predict the effect of missense changes on protein structure and function outputs the following: PolyPhen-2: "Benign". The isoleucine amino acid residue is found in multiple mammalian species, which suggests that this missense change does not adversely affect protein function. In summary, the available evidence is currently insufficient to determine the role of this variant in disease. Therefore, it has been classified as a Variant of Uncertain Significance.

Ambry Genetics
Classification: Uncertain significance. Last evaluated: 2022-05-11. Review status: criteria provided, single submitter. Criteria: Ambry Variant Classification Scheme 2023. Collection method: clinical testing. Allele origin: germline.

NM_006084.5(IRF9):c.1064G>T (p.Ser355Ile)

Gene: IRF9 (interferon regulatory factor 9; plus strand). Cytogenetic location: 14q12.
Variant type: single nucleotide variant.
Coding change: c.1064G>T on transcript NM_006084.5 (MANE Select); coding-DNA position 1064, G replaced by T.
Protein change: p.Ser355Ile; replaces serine 355 with isoleucine.
Molecular consequence: missense variant.
Genome position (GRCh38, 1-based): chr14:24,165,919, G>T. VCF-style: chr14-24165919-G-T. GRCh37 (hg19) VCF-style: chr14-24635128-G-T.
Other names: c.1218G>T, p.Glu406Asp (NM_001385400.1); c.1091G>T, p.Ser364Ile (NM_001385401.1); c.801G>T, p.Glu267Asp (NM_001385402.1); short protein forms E267D, S364I, E406D, S355I.
Identifiers: ClinVar variation 2390836 (VCV002390836.5), dbSNP rs765350851, ClinGen allele CA7126648.